The following is an entry in ClinVar:

NM_145068.4(TRPV3):c.2215T>C (p.Trp739Arg)

Gene: TRPV3 (transient receptor potential cation channel subfamily V member 3; minus strand). Cytogenetic location: 17p13.2.
Variant type: single nucleotide variant.
Coding change: c.2215T>C on transcript NM_145068.4 (MANE Select); coding-DNA position 2215, T replaced by C.
Protein change: p.Trp739Arg; replaces tryptophan 739 with arginine.
Molecular consequence: missense variant.
Genome position (GRCh38, 1-based): chr17:3,514,656, A>G on the plus strand (T>C on the coding strand, the complement: TRPV3 is on the minus strand). VCF-style: chr17-3514656-A-G. GRCh37 (hg19) VCF-style: chr17-3417950-A-G.
Other names: c.2215T>C, p.Trp739Arg (NM_001258205.2); short protein forms W739R.
Identifiers: ClinVar variation 4865994 (VCV004865994.1).

ClinVar aggregate classification (germline): Uncertain significance (1 of 4 stars; one submission).

Conditions:
Inborn genetic diseases. Identifiers: MedGen C0950123, MeSH D030342.

gnomAD v4.1: 17 of 1,613,474 alleles (0.0011%); highest among the groups gnomAD compares: Non-Finnish European, 0.0014%; no homozygotes.

Submission:

Ambry Genetics
Classification: Uncertain significance for Inborn genetic diseases. Last evaluated: 2026-03-27. Review status: criteria provided, single submitter. Criteria: Ambry Variant Classification Scheme 2023. Collection method: clinical testing. Allele origin: germline.
Comment: The c.2215T>C (p.W739R) alteration is located in exon 17 (coding exon 16) of the TRPV3 gene. This alteration results from a T to C substitution at nucleotide position 2215, causing the tryptophan (W) at amino acid position 739 to be replaced by an arginine (R). Based on data from gnomAD, the C allele has an overall frequency of <0.001% (1/251340) total alleles studied. The highest observed frequency was 0.001% (1/113684) of European (non-Finnish) alleles. Based on insufficient or conflicting evidence, the clinical significance of this alteration remains unclear.